The following is an entry in ClinVar:

NM_001386795.1(DTNA):c.230A>G (p.Asn77Ser)

Gene: DTNA (dystrobrevin alpha; plus strand). Cytogenetic location: 18q12.1.
Variant type: single nucleotide variant.
Coding change: c.230A>G on transcript NM_001386795.1 (MANE Select); coding-DNA position 230, A replaced by G.
Protein change: p.Asn77Ser; replaces asparagine 77 with serine.
Molecular consequence: missense variant.
Genome position (GRCh38, 1-based): chr18:34,794,118, A>G. VCF-style: chr18-34794118-A-G. GRCh37 (hg19) VCF-style: chr18-32374082-A-G.
Other names: c.230A>G, p.Asn77Ser (NM_001128175.2, NM_001198938.2, NM_001198939.2 and 35 more transcripts); short protein forms N77S.
Identifiers: ClinVar variation 4765707 (VCV004765707.1).

ClinVar aggregate classification (germline): Uncertain significance (1 of 4 stars; one submission).

Conditions:
Left ventricular noncompaction 1 (LVNC1). Also called: LEFT VENTRICULAR NONCOMPACTION 1 WITH OR WITHOUT CONGENITAL HEART DEFECTS. Identifiers: Orphanet 54260, MedGen C1858725, MONDO:0011403, OMIM 604169.

gnomAD v4.1: 4 of 1,614,036 alleles (0.00025%); highest among the groups gnomAD compares: Admixed American, 0.0033%; no homozygotes.

Submission:

Labcorp Genetics (formerly Invitae), Labcorp
Classification: Uncertain significance for Left ventricular noncompaction 1. Last evaluated: 2026-01-11. Review status: criteria provided, single submitter. Criteria: Invitae Variant Classification Sherloc (09022015). Collection method: clinical testing. Allele origin: germline.
Comment: This sequence change replaces asparagine, which is neutral and polar, with serine, which is neutral and polar, at codon 77 of the DTNA protein (p.Asn77Ser). This variant is present in population databases (rs780713007, gnomAD 0.006%). This variant has not been reported in the literature in individuals affected with DTNA-related conditions. Invitae Evidence Modeling of protein sequence and biophysical properties (such as structural, functional, and spatial information, amino acid conservation, physicochemical variation, residue mobility, and thermodynamic stability) indicates that this missense variant is not expected to disrupt DTNA protein function with a negative predictive value of 80%. In summary, the available evidence is currently insufficient to determine the role of this variant in disease. Therefore, it has been classified as a Variant of Uncertain Significance.